The following is an entry in ClinVar:

ClinVar aggregate classification (germline): Benign. Review status: criteria provided, multiple submitters, no conflicts (2 of 4 stars). 2 submissions from 2 submitters: Benign (2). Last evaluated 2018-06-14.

Allele frequency attached by ClinVar (database versions not stated): 1000 Genomes Project 0.07228; 1000 Genomes Project 30x 0.07339; TOPMed 0.09069; gnomAD 0.09105 and 0.09379.
gnomAD v4.1: 13,887 of 152,214 alleles (9.1%); highest among the groups gnomAD compares: African/African-American, 11%; 656 homozygotes.

Submissions (2):

GeneDx
Classification: Benign. Last evaluated: 2018-06-14. Review status: criteria provided, single submitter. Criteria: GeneDx Variant Classification (06012015). Collection method: clinical testing. Allele origin: germline. Affected: yes.
Comment: This variant is considered likely benign or benign based on one or more of the following criteria: it is a conservative change, it occurs at a poorly conserved position in the protein, it is predicted to be benign by multiple in silico algorithms, and/or has population frequency not consistent with disease.

Breakthrough Genomics
Classification: Benign. Review status: criteria provided, single submitter. Criteria: ACMG Guidelines, 2015. Collection method: not provided. Allele origin: germline. Inheritance: Autosomal recessive inheritance. Affected: yes.

NM_001130987.2(DYSF):c.1002+216C>T

Gene: DYSF (dysferlin; plus strand). Cytogenetic location: 2p13.2.
Variant type: single nucleotide variant.
Coding change: c.1002+216C>T on transcript NM_001130987.2 (MANE Select); 216 bases into the intron after coding-DNA position 1002, C replaced by T.
Molecular consequence: intron variant.
Genome position (GRCh38, 1-based): chr2:71,517,255, C>T. VCF-style: chr2-71517255-C-T. GRCh37 (hg19) VCF-style: chr2-71744385-C-T.
Other names: c.999+216C>T (NM_001130979.2, NM_001130981.2, NM_001130980.2); c.906+216C>T (NM_001130978.2, NM_003494.4, NM_001130977.2 and 1 more transcripts); c.1002+216C>T (NM_001130982.2, NM_001130985.2); c.909+216C>T (NM_001130983.2, NM_001130455.2, NM_001130984.2 and 1 more transcripts).
Identifiers: ClinVar variation 681741 (VCV000681741.2), dbSNP rs13402171, ClinGen allele CA11118016.